The following is an entry in ClinVar:

ClinVar aggregate classification (germline): Pathogenic (1 of 4 stars; one submission).

Conditions:
Familial thoracic aortic aneurysm and aortic dissection (TAAD). Also called: Thoracic aortic aneurysms and dissections. Identifiers: Orphanet 91387, MedGen C4707243, MONDO:0019625.
Marfan syndrome (MFS). Also called: Marfan syndrome type 1; Marfan's syndrome; Marfan syndrome, classic; MARFAN SYNDROME, TYPE I; FBN1-Related Marfan Syndrome. Identifiers: Orphanet 284963, Orphanet 558, MedGen C0024796, MONDO:0007947, OMIM 154700.

Submission:

Labcorp Genetics (formerly Invitae), Labcorp
Classification: Pathogenic for Marfan syndrome; Familial thoracic aortic aneurysm and aortic dissection. Last evaluated: 2020-01-21. Review status: criteria provided, single submitter. Criteria: Invitae Variant Classification Sherloc (09022015). Collection method: clinical testing. Allele origin: germline.
Comment: For these reasons, this variant has been classified as Pathogenic. Loss-of-function variants in FBN1 are known to be pathogenic (PMID: 17657824, 19293843). This variant has been observed in individual(s) with clinical features of Marfan syndrome (Invitae). This variant is not present in population databases (ExAC no frequency). This sequence change creates a premature translational stop signal (p.Arg2311Valfs*87) in the FBN1 gene. It is expected to result in an absent or disrupted protein product.

Literature cited by the submitters: PubMed 17657824; PubMed 19293843.

NM_000138.5(FBN1):c.6931del (p.Arg2311fs)

Gene: FBN1 (fibrillin 1; minus strand). Cytogenetic location: 15q21.1.
Variant type: Deletion.
Coding change: c.6931del on transcript NM_000138.5 (MANE Select); coding-DNA position 6931, one base deleted (C; older notation c.6931delC).
Protein change: p.Arg2311fs; shifts the reading frame from arginine 2311.
Molecular consequence: frameshift variant.
Genome position (GRCh38, 1-based): chr15:48,428,412, G deleted on the plus strand (C on the coding strand, the reverse complement: FBN1 is on the minus strand); the first of 3 consecutive G bases (chr15:48,428,412-48,428,414); deleting any one gives the same sequence. VCF-style (leftmost placement, unchanged base first): chr15-48428411-CG-C. GRCh37 (hg19) VCF-style: chr15-48720608-CG-C.
Other names: short protein forms R2311fs.
Identifiers: ClinVar variation 1072291 (VCV001072291.9), dbSNP rs2141229950, ClinGen allele CA2499222969.